The following is an entry in ClinVar:

ClinVar aggregate classification (germline): Likely benign. Review status: criteria provided, multiple submitters, no conflicts (2 of 4 stars). 2 submissions from 2 submitters: Likely benign (2). Last evaluated 2023-02-01.

Allele frequency attached by ClinVar (database versions not stated): TOPMed below 0.00001; gnomAD 0.00001; gnomAD exomes 0.00001.
gnomAD v4.1: 11 of 1,613,924 alleles (0.00068%); highest among the groups gnomAD compares: East Asian, 0.011%; no homozygotes.

Submissions (2):

CeGaT Center for Human Genetics Tuebingen
Classification: Likely benign. Last evaluated: 2023-02-01. Review status: criteria provided, single submitter. Criteria: CeGaT Center For Human Genetics Tuebingen Variant Classification Criteria Version 2. Collection method: clinical testing. Allele origin: germline. Affected: yes. Observed: 1 variant allele.
Comment: TRMT10A: BP4, BP7

Labcorp Genetics (formerly Invitae), Labcorp
Classification: Likely benign. Last evaluated: 2022-03-20. Review status: criteria provided, single submitter. Criteria: Invitae Variant Classification Sherloc (09022015). Collection method: clinical testing. Allele origin: germline.

NM_001134665.3(TRMT10A):c.906G>A (p.Ser302=)

Gene: TRMT10A (tRNA methyltransferase 10A; minus strand). Cytogenetic location: 4q23.
Variant type: single nucleotide variant.
Coding change: c.906G>A on transcript NM_001134665.3 (MANE Select); coding-DNA position 906, G replaced by A.
Protein change: p.Ser302=; no amino-acid change (serine 302 retained).
Molecular consequence: synonymous variant.
Genome position (GRCh38, 1-based): chr4:99,549,202, C>T on the plus strand (G>A on the coding strand, the complement: TRMT10A is on the minus strand). VCF-style: chr4-99549202-C-T. GRCh37 (hg19) VCF-style: chr4-100470359-C-T.
Other names: c.906G>A, p.Ser302= (NM_001134666.3, NM_001375880.1, NM_001375881.1 and 1 more transcripts); c.885G>A, p.Ser295= (NM_001375882.1).
Identifiers: ClinVar variation 1918806 (VCV001918806.29), dbSNP rs1378476789, ClinGen allele CA440332821.